The following is an entry in ClinVar:

NM_000245.4(MET):c.-182C>A

Genes: COMETT (cytosolic oncogenic antisense to MET transcript; minus strand), MET (MET proto-oncogene, receptor tyrosine kinase; plus strand). Cytogenetic location: 7q31.2.
Variant type: single nucleotide variant.
Coding change: c.-182C>A on transcript NM_000245.4 (MANE Select); 182 bases upstream of the start codon, C replaced by A.
Molecular consequence: 5 prime UTR variant.
Genome position (GRCh38, 1-based): chr7:116,672,410, C>A. VCF-style: chr7-116672410-C-A. GRCh37 (hg19) VCF-style: chr7-116312464-C-A.
Other names: c.-182C>A (NM_001127500.3, NM_001324401.3); c.-258C>A (NM_001324402.2).
Identifiers: ClinVar variation 911964 (VCV000911964.4), dbSNP rs536603694, ClinGen allele CA164867445.

ClinVar aggregate classification (germline): Benign (1 of 4 stars; one submission).

Conditions:
Papillary renal cell carcinoma type 1 (RCCP1). Also called: RENAL CELL CARCINOMA, PAPILLARY, 1, SOMATIC; Renal adenocarcinoma; Renal cell carcinoma 1; Renal cell carcinoma, somatic. Identifiers: Orphanet 47044, MedGen C1336839, OMIM 605074, HP:0011797.

Allele frequency attached by ClinVar (database versions not stated): gnomAD exomes 0.00003; 1000 Genomes Project 30x 0.00047; 1000 Genomes Project 0.00060.
gnomAD v4.1: 13 of 389,990 alleles (0.0033%); highest among the groups gnomAD compares: South Asian, 0.14%; no homozygotes.

Submission:

Illumina Laboratory Services, Illumina
Classification: Benign for Papillary renal cell carcinoma type 1. Last evaluated: 2018-01-13. Review status: criteria provided, single submitter. Criteria: ICSL Variant Classification Criteria 13 December 2019. Collection method: clinical testing. Allele origin: germline.
Comment: This variant was observed in the ICSL laboratory as part of a predisposition screen in an ostensibly healthy population. It had not been previously curated by ICSL or reported in the Human Gene Mutation Database (HGMD: prior to June 1st, 2018), and was therefore a candidate for classification through an automated scoring system. Utilizing variant allele frequency, disease prevalence and penetrance estimates, and inheritance mode, an automated score was calculated to assess if this variant is too frequent to cause the disease. Based on the score and internal cut-off values, a variant classified as benign is not then subjected to further curation. The score for this variant resulted in a classification of benign for this disease.